The following is an entry in ClinVar:

NM_005591.4(MRE11):c.1500G>T (p.Glu500Asp)

Gene: MRE11 (MRE11 double strand break repair nuclease; minus strand). Cytogenetic location: 11q21.
Variant type: single nucleotide variant.
Coding change: c.1500G>T on transcript NM_005591.4 (MANE Select); coding-DNA position 1500, G replaced by T.
Protein change: p.Glu500Asp; replaces glutamic acid 500 with aspartic acid.
Molecular consequence: missense variant.
Genome position (GRCh38, 1-based): chr11:94,459,408, C>A on the plus strand (G>T on the coding strand, the complement: MRE11 is on the minus strand). VCF-style: chr11-94459408-C-A. GRCh37 (hg19) VCF-style: chr11-94192574-C-A.
Other names: c.1500G>T, p.Glu500Asp (NM_001330347.2, NM_005590.4); short protein forms E500D.
Identifiers: ClinVar variation 1799924 (VCV001799924.3), dbSNP rs786202052, ClinGen allele CA382371600.

ClinVar aggregate classification (germline): Uncertain significance. Review status: criteria provided, multiple submitters, no conflicts (2 of 4 stars). 2 submissions from 2 submitters: Uncertain significance (2). Last evaluated 2025-01-03.

Conditions:
Hereditary cancer-predisposing syndrome. Also called: Neoplastic Syndromes, Hereditary; Tumor predisposition; Hereditary Cancer Syndrome; Hereditary neoplastic syndrome. Identifiers: Orphanet 140162, MedGen C0027672, MeSH D009386, MONDO:0015356.

Submissions (2):

Quest Diagnostics Nichols Institute San Juan Capistrano
Classification: Uncertain significance. Last evaluated: 2025-01-03. Review status: criteria provided, single submitter. Criteria: Quest Diagnostics criteria. Collection method: clinical testing. Allele origin: unknown.

Ambry Genetics
Classification: Uncertain significance for Hereditary cancer-predisposing syndrome. Last evaluated: 2021-06-17. Review status: criteria provided, single submitter. Criteria: Ambry Variant Classification Scheme 2023. Collection method: clinical testing. Allele origin: germline.
Comment: The p.E500D variant (also known as c.1500G>T), located in coding exon 12 of the MRE11A gene, results from a G to T substitution at nucleotide position 1500. The amino acid change results in glutamic acid to aspartic acid at codon 500, an amino acid with highly similar properties. However, this change occurs in the last base pair of coding exon 12, and may have some effect on normal mRNA splicing. This nucleotide position is highly conserved in available vertebrate species. In silico splice site analysis predicts that this alteration will not have any significant effect on splicing; however, direct evidence is unavailable. This amino acid position is highly conserved in available vertebrate species. In addition, as a missense substitution, this alteration is predicted to be tolerated by in silico analysis. Since supporting evidence is limited at this time, the clinical significance of this alteration remains unclear.